The following is an entry in ClinVar:

NM_181784.3(SPRED2):c.954C>T (p.His318=)

Gene: SPRED2 (sprouty related EVH1 domain containing 2; minus strand). Cytogenetic location: 2p14.
Variant type: single nucleotide variant.
Coding change: c.954C>T on transcript NM_181784.3 (MANE Select); coding-DNA position 954, C replaced by T.
Protein change: p.His318=; no amino-acid change (histidine 318 retained).
Molecular consequence: synonymous variant.
Genome position (GRCh38, 1-based): chr2:65,313,804, G>A on the plus strand (C>T on the coding strand, the complement: SPRED2 is on the minus strand). VCF-style: chr2-65313804-G-A. GRCh37 (hg19) VCF-style: chr2-65540938-G-A.
Other names: c.945C>T, p.His315= (NM_001128210.2).
Identifiers: ClinVar variation 3771731 (VCV003771731.13).

ClinVar aggregate classification (germline): Likely benign (1 of 4 stars; one submission).

gnomAD v4.1: 34 of 1,613,800 alleles (0.0021%); highest among the groups gnomAD compares: Middle Eastern, 0.016%; 2 homozygotes.

Submission:

CeGaT Center for Human Genetics Tuebingen
Classification: Likely benign. Last evaluated: 2025-01-01. Review status: criteria provided, single submitter. Criteria: CeGaT Center For Human Genetics Tuebingen Variant Classification Criteria Version 2. Collection method: clinical testing. Allele origin: germline. Affected: yes. Observed: 1 variant allele.
Comment: SPRED2: BP4, BP7